The following is an entry in ClinVar:

ClinVar aggregate classification (germline): Uncertain significance. Review status: criteria provided, multiple submitters, no conflicts (2 of 4 stars). 2 submissions from 2 submitters: Uncertain significance (2). Last evaluated 2026-03-06.

Conditions:
Aicardi-Goutieres syndrome 6 (AGS6). Identifiers: Orphanet 51, MedGen C3539013, MONDO:0014007, OMIM 615010.
Symmetrical dyschromatosis of extremities (DSH). Also called: Dyschromatosis symmetrica hereditaria; DYSCHROMATOSIS SYMMETRICA HEREDITARIA 1; RETICULATE ACROPIGMENTATION OF DOHI; SYMMETRIC DYSCHROMATOSIS OF THE EXTREMITIES. Identifiers: Orphanet 41, MedGen C0406775, MONDO:0007483, OMIM 127400.
Inborn genetic diseases. Identifiers: MedGen C0950123, MeSH D030342.

gnomAD v4.1: 2 of 1,612,550 alleles (0.00012%); highest among the groups gnomAD compares: Non-Finnish European, 0.00017%; no homozygotes.

Submissions (2):

Ambry Genetics
Classification: Uncertain significance for Inborn genetic diseases. Last evaluated: 2026-03-06. Review status: criteria provided, single submitter. Criteria: Ambry Variant Classification Scheme 2023. Collection method: clinical testing. Allele origin: germline.

Labcorp Genetics (formerly Invitae), Labcorp
Classification: Uncertain significance for Aicardi-Goutieres syndrome 6; Symmetrical dyschromatosis of extremities. Last evaluated: 2018-03-16. Review status: criteria provided, single submitter. Criteria: Invitae Variant Classification Sherloc (09022015). Collection method: clinical testing. Allele origin: germline.
Comment: This variant is not present in population databases (ExAC no frequency). This sequence change replaces proline with serine at codon 351 of the ADAR protein (p.Pro351Ser). The proline residue is moderately conserved and there is a moderate physicochemical difference between proline and serine. This variant has not been reported in the literature in individuals with ADAR-related disease. Algorithms developed to predict the effect of missense changes on protein structure and function do not agree on the potential impact of this missense change (SIFT: "Tolerated"; PolyPhen-2: "Possibly Damaging"; Align-GVGD: "Class C0"). In summary, the available evidence is currently insufficient to determine the role of this variant in disease. Therefore, it has been classified as a Variant of Uncertain Significance.

NM_001111.5(ADAR):c.1051C>T (p.Pro351Ser)

Gene: ADAR (adenosine deaminase RNA specific; minus strand). Cytogenetic location: 1q21.3.
Variant type: single nucleotide variant.
Coding change: c.1051C>T on transcript NM_001111.5 (MANE Select); coding-DNA position 1051, C replaced by T.
Protein change: p.Pro351Ser; replaces proline 351 with serine.
Molecular consequence: missense variant.
Genome position (GRCh38, 1-based): chr1:154,601,591, G>A on the plus strand (C>T on the coding strand, the complement: ADAR is on the minus strand). VCF-style: chr1-154601591-G-A. GRCh37 (hg19) VCF-style: chr1-154574067-G-A.
Other names: c.1051C>T, p.Pro351Ser (LRG_1212t1, NM_015840.4, NM_015841.4); c.166C>T, p.Pro56Ser (NM_001025107.3, NM_001193495.2, NM_001365046.1 and 3 more transcripts); c.1078C>T, p.Pro360Ser (NM_001365045.1); short protein forms P351S, P56S, P360S.
Identifiers: ClinVar variation 570349 (VCV000570349.9), dbSNP rs1557886901, ClinGen allele CA342598793.